The following is an entry in ClinVar:

NM_007294.4(BRCA1):c.4228G>A (p.Glu1410Lys)

Gene: BRCA1 (BRCA1 DNA repair associated; minus strand). Cytogenetic location: 17q21.31.
Variant type: single nucleotide variant.
Coding change: c.4228G>A on transcript NM_007294.4 (MANE Select); coding-DNA position 4228, G replaced by A.
Protein change: p.Glu1410Lys; replaces glutamic acid 1410 with lysine.
Molecular consequence: missense variant.
Genome position (GRCh38, 1-based): chr17:43,082,533, C>T on the plus strand (G>A on the coding strand, the complement: BRCA1 is on the minus strand). VCF-style: chr17-43082533-C-T. GRCh37 (hg19) VCF-style: chr17-41234550-C-T.
Other names: c.4150G>A, p.Glu1384Lys (NM_001407658.1, NM_001407653.1, NM_001407654.1 and 2 more transcripts); c.4144G>A, p.Glu1382Lys (NM_001407659.1, NM_001407660.1); c.4147G>A, p.Glu1383Lys (NM_001407661.1, NM_001407662.1, NM_001407663.1 and 1 more transcripts); c.4105G>A, p.Glu1369Lys (NM_001407664.1, NM_001407665.1, NM_001407666.1 and 13 more transcripts); c.4102G>A, p.Glu1368Lys (NM_001407670.1, NM_001407671.1, NM_001407672.1 and 12 more transcripts); c.4228G>A, p.Glu1410Lys (NM_001407684.1, NM_001407854.1, NM_001407858.1 and 23 more transcripts); c.4099G>A, p.Glu1367Lys (NM_001407685.1, NM_001407686.1, NM_001407687.1 and 2 more transcripts); c.4087G>A, p.Glu1363Lys (NM_001407692.1, NM_001407694.1, NM_001407695.1 and 23 more transcripts); and 51 more; short protein forms E1114K, E1241K, E1282K, E1283K, E1297K, E1298K, E1299K, E1320K.
Identifiers: ClinVar variation 4686566 (VCV004686566.1).
Genomic context (GRCh38, chr17:43,082,533, plus strand): 5'-GGTAGCTGTTAGAAGGCTGGCTCCCATGCTGTTCTAACACAGCTTCTAGTTCAGCCATTT[C>T]CTGCTGGAGCTTTATCAGGTTATGTTGCATGGTATCCCTCTGCTTCAAAAACGATAAATG-3'
Protein context (NP_009225.1, residues 1400-1420): MQHNLIKLQQ[Glu1410Lys]MAELEAVLEQ

ClinVar aggregate classification (germline): Uncertain significance (1 of 4 stars; one submission).

Conditions:
Breast-ovarian cancer, familial, susceptibility to, 1 (BROVCA1). Also called: OVARIAN CANCER, SUSCEPTIBILITY TO; BRCA1 Hereditary Breast and Ovarian Cancer. Identifiers: Orphanet 145, MedGen C2676676, MONDO:0011450, OMIM 604370. Disease mechanism: loss of function.

Submission:

KCCC/NGS Laboratory, Kuwait Cancer Control Center
Classification: Uncertain significance for Breast-ovarian cancer, familial, susceptibility to, 1. Last evaluated: 2025-12-01. Review status: criteria provided, single submitter. Criteria: ACMG Guidelines, 2015. Collection method: clinical testing. Allele origin: germline. Inheritance: Autosomal dominant inheritance. Affected: yes.
Comment: A novel variant of uncertain significance was detected in BRCA1 gene ( c.4228G>A, NM_007300.3 ). This missense variant replaces glutamic acid with lysine at codon 1410 of the BRCA1 protein. This aminoacid position not highly conservative ( PhyloP=3.3). Computational prediction conflicting about this variant impact on protein structure and function. To our knowledge, functional studies have not been reported for this variant. This variant has not been reported in individuals affected with BRCA1-related disorders in the literature. This variant has not been identified in the general population by the Genome Aggregation Database (gnomAD). The available evidence is insufficient to determine the role of this variant in disease conclusively. Therefore, this variant is classified as a Variant of Uncertain Significance. The diagnosis of hereditary cancer syndrome is not confirmed.